The following is an entry in ClinVar:

NM_000059.4(BRCA2):c.5195T>C (p.Leu1732Pro)

Gene: BRCA2 (BRCA2 DNA repair associated; plus strand). Cytogenetic location: 13q13.1.
Variant type: single nucleotide variant.
Coding change: c.5195T>C on transcript NM_000059.4 (MANE Select); coding-DNA position 5195, T replaced by C.
Protein change: p.Leu1732Pro; replaces leucine 1732 with proline.
Molecular consequence: missense variant.
Genome position (GRCh38, 1-based): chr13:32,339,550, T>C. VCF-style: chr13-32339550-T-C. GRCh37 (hg19) VCF-style: chr13-32913687-T-C.
Other names: short protein forms L1732P.
Identifiers: ClinVar variation 185482 (VCV000185482.12), dbSNP rs786202208, ClinGen allele CA021653.

ClinVar aggregate classification (germline): Conflicting classifications of pathogenicity. Review status: criteria provided, conflicting classifications (1 of 4 stars). 3 submissions from 3 submitters: Uncertain significance (1); Likely benign (2). Last evaluated 2024-04-09.

Conditions:
Hereditary cancer-predisposing syndrome. Also called: Hereditary neoplastic syndrome; Neoplastic Syndromes, Hereditary; Tumor predisposition; Hereditary Cancer Syndrome. Identifiers: Orphanet 140162, MedGen C0027672, MeSH D009386, MONDO:0015356.
Hereditary breast ovarian cancer syndrome. Also called: Hereditary breast and ovarian cancer syndrome (HBOC); Breast and ovarian cancer; Hereditary breast and/or ovarian cancer syndrome; BRCA1- and BRCA2-Associated Hereditary Breast and Ovarian Cancer; Hereditary breast and ovarian cancer syndrome; Hereditary breast and ovarian cancer. Identifiers: Orphanet 145, MedGen C0677776, MeSH D061325, MONDO:0003582. Disease mechanism: loss of function.

Allele frequency attached by ClinVar (database versions not stated): gnomAD exomes below 0.00001 and 0.00001; TOPMed below 0.00001; gnomAD 0.00001.
gnomAD v4.1: 5 of 1,605,666 alleles (0.00031%); highest among the groups gnomAD compares: South Asian, 0.0034%; no homozygotes.

Submissions (3):

Labcorp Genetics (formerly Invitae), Labcorp
Classification: Uncertain significance for Hereditary breast ovarian cancer syndrome. Last evaluated: 2024-04-09. Review status: criteria provided, single submitter. Criteria: Invitae Variant Classification Sherloc (09022015). Collection method: clinical testing. Allele origin: germline.
Comment: This sequence change replaces leucine, which is neutral and non-polar, with proline, which is neutral and non-polar, at codon 1732 of the BRCA2 protein (p.Leu1732Pro). This variant is present in population databases (rs786202208, gnomAD 0.007%). This missense change has been observed in individual(s) with breast cancer (PMID: 29700634). ClinVar contains an entry for this variant (Variation ID: 185482). Advanced modeling of protein sequence and biophysical properties (such as structural, functional, and spatial information, amino acid conservation, physicochemical variation, residue mobility, and thermodynamic stability) performed at Invitae indicates that this missense variant is not expected to disrupt BRCA2 protein function with a negative predictive value of 95%. In summary, the available evidence is currently insufficient to determine the role of this variant in disease. Therefore, it has been classified as a Variant of Uncertain Significance.

University of Washington Department of Laboratory Medicine, University of Washington
Classification: Likely benign for Hereditary cancer-predisposing syndrome. Last evaluated: 2023-03-23. Review status: criteria provided, single submitter. Criteria: Dines et al. (Genet Med. 2020). Collection method: curation. Allele origin: germline.
Comment: Missense variant in a coldspot region where missense variants are very unlikely to be pathogenic (PMID:31911673).

BRCA2 exon 11 coldspot. Reclassification based on statistical prior probability.

Ambry Genetics
Classification: Likely benign for Hereditary cancer-predisposing syndrome. Last evaluated: 2016-07-07. Review status: criteria provided, single submitter. Criteria: Ambry Variant Classification Scheme 2023. Collection method: clinical testing. Allele origin: germline.

Literature cited by the submitters: PubMed 29700634 (cited by Labcorp Genetics (formerly Invitae), Labcorp).